The following is an entry in ClinVar:

NM_000558.5(HBA1):c.427T>A (p.Ter143Lys)

Genes: HBA1 (hemoglobin subunit alpha 1; plus strand), LOC106804613 (hemoglobin subunit alpha 1 recombination region; plus strand). Cytogenetic location: 16p13.3.
Variant type: single nucleotide variant.
Coding change: c.427T>A on transcript NM_000558.5 (MANE Select); coding-DNA position 427, T replaced by A.
Protein change: p.Ter143Lys.
Molecular consequence: stop lost.
Genome position (GRCh38, 1-based): chr16:177,409, T>A. VCF-style: chr16-177409-T-A. GRCh37 (hg19) VCF-style: chr16-227408-T-A.
Identifiers: ClinVar variation 4814407 (VCV004814407.1).

ClinVar aggregate classification (germline): Likely pathogenic (1 of 4 stars; one submission).

Conditions:
alpha Thalassemia. Also called: Alpha thalassemia spectrum. Identifiers: Orphanet 846, MedGen C0002312, MONDO:0011399, OMIM 604131.

Submission:

Natera, Inc.
Classification: Likely pathogenic for Alpha thalassemia. Last evaluated: 2025-12-08. Review status: criteria provided, single submitter. Criteria: Natera Variant Classification Schema (03/2026). Collection method: clinical testing. Allele origin: germline.
Comment: The c.427T>A variant in HBA1 is a stop-loss variant predicted to disrupt the normal termination codon and extend translation beyond the canonical stop site. This variant is rare in the general population with a frequency below the threshold expected for the associated phenotype(s). Given the available evidence, this variant is classified as Likely Pathogenic.